The following is an entry in ClinVar:

ClinVar aggregate classification (germline): Uncertain significance (1 of 4 stars; one submission).

Allele frequency attached by ClinVar (database versions not stated): gnomAD exomes 0.00002; TOPMed 0.00002; ExAC 0.00003; ESP Exome Variant Server 0.00008.
gnomAD v4.1: 23 of 1,613,366 alleles (0.0014%); highest among the groups gnomAD compares: Admixed American, 0.0083%; no homozygotes.

Submission:

Labcorp Genetics (formerly Invitae), Labcorp
Classification: Uncertain significance. Last evaluated: 2024-10-16. Review status: criteria provided, single submitter. Criteria: Invitae Variant Classification Sherloc (09022015). Collection method: clinical testing. Allele origin: germline.
Comment: This sequence change replaces histidine, which is basic and polar, with glutamine, which is neutral and polar, at codon 1868 of the FAT1 protein (p.His1868Gln). This variant is present in population databases (rs370305014, gnomAD 0.01%). This variant has not been reported in the literature in individuals affected with FAT1-related conditions. ClinVar contains an entry for this variant (Variation ID: 2417795). Invitae Evidence Modeling of protein sequence and biophysical properties (such as structural, functional, and spatial information, amino acid conservation, physicochemical variation, residue mobility, and thermodynamic stability) indicates that this missense variant is expected to disrupt FAT1 protein function with a positive predictive value of 80%. In summary, the available evidence is currently insufficient to determine the role of this variant in disease. Therefore, it has been classified as a Variant of Uncertain Significance.

NM_005245.4(FAT1):c.5604T>G (p.His1868Gln)

Gene: FAT1 (FAT atypical cadherin 1; minus strand). Cytogenetic location: 4q35.2.
Variant type: single nucleotide variant.
Coding change: c.5604T>G on transcript NM_005245.4 (MANE Select); coding-DNA position 5604, T replaced by G.
Protein change: p.His1868Gln; replaces histidine 1868 with glutamine.
Molecular consequence: missense variant.
Genome position (GRCh38, 1-based): chr4:186,620,982, A>C on the plus strand (T>G on the coding strand, the complement: FAT1 is on the minus strand). VCF-style: chr4-186620982-A-C. GRCh37 (hg19) VCF-style: chr4-187542136-A-C.
Other names: short protein forms H1868Q.
Identifiers: ClinVar variation 2417795 (VCV002417795.6), dbSNP rs370305014, ClinGen allele CA3166428.